The following is an entry in ClinVar:

ClinVar aggregate classification (germline): Uncertain significance (1 of 4 stars; one submission).

Conditions:
Glycogen storage disease, type IV (GSD4). Also called: Glycogen storage disease due to glycogen branching enzyme deficiency; AMYLOPECTINOSIS; ANDERSEN DISEASE; BRANCHER DEFICIENCY; CIRRHOSIS, FAMILIAL, WITH DEPOSITION OF ABNORMAL GLYCOGEN; GBE1 DEFICIENCY. Identifiers: OMIM 232500, Orphanet 367, MedGen C0017923, MONDO:0009292.
Glycogen storage disease IV, classic hepatic. Also called: GSD IV, CLASSIC HEPATIC. Identifiers: MedGen C1856301.

gnomAD v4.1: 5 of 1,607,274 alleles (0.00031%); highest among the groups gnomAD compares: Non-Finnish European, 0.00034%; no homozygotes.

Submission:

Labcorp Genetics (formerly Invitae), Labcorp
Classification: Uncertain significance for Glycogen storage disease, type IV; Glycogen storage disease IV, classic hepatic. Last evaluated: 2022-08-09. Review status: criteria provided, single submitter. Criteria: Invitae Variant Classification Sherloc (09022015). Collection method: clinical testing. Allele origin: germline.
Comment: This sequence change replaces leucine, which is neutral and non-polar, with glutamine, which is neutral and polar, at codon 383 of the GBE1 protein (p.Leu383Gln). This variant is not present in population databases (gnomAD no frequency). This variant has not been reported in the literature in individuals affected with GBE1-related conditions. ClinVar contains an entry for this variant (Variation ID: 1401348). Advanced modeling of protein sequence and biophysical properties (such as structural, functional, and spatial information, amino acid conservation, physicochemical variation, residue mobility, and thermodynamic stability) performed at Invitae indicates that this missense variant is not expected to disrupt GBE1 protein function. In summary, the available evidence is currently insufficient to determine the role of this variant in disease. Therefore, it has been classified as a Variant of Uncertain Significance.

NM_000158.4(GBE1):c.1148T>A (p.Leu383Gln)

Gene: GBE1 (1,4-alpha-glucan branching enzyme 1; minus strand). Cytogenetic location: 3p12.2.
Variant type: single nucleotide variant.
Coding change: c.1148T>A on transcript NM_000158.4 (MANE Select); coding-DNA position 1148, T replaced by A.
Protein change: p.Leu383Gln; replaces leucine 383 with glutamine.
Molecular consequence: missense variant.
Genome position (GRCh38, 1-based): chr3:81,591,125, A>T on the plus strand (T>A on the coding strand, the complement: GBE1 is on the minus strand). VCF-style: chr3-81591125-A-T. GRCh37 (hg19) VCF-style: chr3-81640276-A-T.
Other names: short protein forms L383Q.
Identifiers: ClinVar variation 1401348 (VCV001401348.4), dbSNP rs777291512, ClinGen allele CA353685610.